The following is an entry in ClinVar:

NM_172250.3(MMAA):c.650T>A (p.Leu217Ter)

Gene: MMAA (metabolism of cobalamin associated A; plus strand). Cytogenetic location: 4q31.21.
Variant type: single nucleotide variant.
Coding change: c.650T>A on transcript NM_172250.3 (MANE Select); coding-DNA position 650, T replaced by A.
Protein change: p.Leu217Ter; replaces leucine 217 with a stop codon.
Molecular consequence: nonsense.
Genome position (GRCh38, 1-based): chr4:145,646,073, T>A. VCF-style: chr4-145646073-T-A. GRCh37 (hg19) VCF-style: chr4-146567225-T-A.
Other names: short protein forms L217*.
Identifiers: ClinVar variation 218976 (VCV000218976.14), dbSNP rs140356252, ClinGen allele CA347870.
Genomic context (GRCh38, chr4:145,646,073, plus strand): 5'-TGACTGAGTTATCAAGAGATATGAATGCATACATCAGGCCATCTCCTACTAGAGGAACTT[T>A]AGGAGGCGTGACAAGGACCACAAATGAAGCTATTCTGTTGTGTGAAGGAGCGGGATATGA-3'

ClinVar aggregate classification (germline): Pathogenic. Review status: criteria provided, multiple submitters, no conflicts (2 of 4 stars). 6 submissions from 6 submitters: Pathogenic (4). 2 of the submissions do not count toward it. Last evaluated 2024-03-09.

Conditions:
Methylmalonic aciduria, cblA type (MACA). Also called: Vitamin B12-responsive methylmalonic acidemia type cblA; Methylmalonic aciduria, vitamin b12-responsive, due to defect in synthesis of adenosylcobalamin, cbla complementation type; MMA cbl A type; Methylmalonic acidemia cblA type; Methylmalonic aciduria, vitamin B12-responsive. Identifiers: Orphanet 28, Orphanet 79310, MedGen C1855109, MONDO:0009613, OMIM 251100.
Methylmalonic acidemia (MMA). Also called: Isolated Methylmalonic Acidemia. Identifiers: MedGen C0268583, MeSH C537358, MONDO:0002012, HP:0002912.

Submissions (6):

Baylor Genetics
Classification: Pathogenic for Methylmalonic aciduria, cblA type. Last evaluated: 2024-03-09. Review status: criteria provided, single submitter. Criteria: ACMG Guidelines, 2015. Collection method: clinical testing. Allele origin: unknown.

Labcorp Genetics (formerly Invitae), Labcorp
Classification: Pathogenic for Methylmalonic aciduria, cblA type. Last evaluated: 2022-09-26. Review status: criteria provided, single submitter. Criteria: Invitae Variant Classification Sherloc (09022015). Collection method: clinical testing. Allele origin: germline.
Comment: This variant is not present in population databases (gnomAD no frequency). This sequence change creates a premature translational stop signal (p.Leu217*) in the MMAA gene. It is expected to result in an absent or disrupted protein product. Loss-of-function variants in MMAA are known to be pathogenic (PMID: 15523652, 15781192). This premature translational stop signal has been observed in individual(s) with methylmalonic acidemia (PMID: 15308131). ClinVar contains an entry for this variant (Variation ID: 218976). For these reasons, this variant has been classified as Pathogenic.

Women's Health and Genetics/Laboratory Corporation of America, LabCorp
Classification: Pathogenic for Methylmalonic acidemia. Last evaluated: 2021-12-23. Review status: criteria provided, single submitter. Criteria: LabCorp Variant Classification Summary - May 2015. Collection method: clinical testing. Allele origin: germline.
Comment: Variant summary: MMAA c.650T>A (p.Leu217X) results in a premature termination codon, predicted to cause a truncation of the encoded protein or absence of the protein due to nonsense mediated decay, which are commonly known mechanisms for disease. Truncations downstream of this position have been classified as pathogenic by our laboratory. The variant was absent in 251418 control chromosomes. c.650T>A has been reported in the literature in individuals affected with Methylmalonic Acidemia (e.g. Yang_2004, Tang_2020). These data indicate that the variant may be associated with disease. Two clinical diagnostic laboratories have submitted clinical-significance assessments for this variant to ClinVar after 2014 without evidence for independent evaluation. Both laboratories classified the variant as pathogenic/likely pathogenic. Based on the evidence outlined above, the variant was classified as pathogenic.

Juno Genomics, Hangzhou Juno Genomics, Inc
Classification: Pathogenic for Methylmalonic aciduria, cblA type. Review status: criteria provided, single submitter. Criteria: ACMG Guidelines, 2015. Collection method: clinical testing. Allele origin: germline.
Comment: Absent from controls (or at extremely low frequency if recessive) in Genome Aggregation Database.;Null variant in a gene where loss of function (LOF) is a known mechanism of disease.;For recessive disorders, detected in trans with a pathogenic variant.;Patient's phenotype or family history is highly specific for a disease with a single genetic etiology.

Counsyl
Classification: Likely pathogenic for Methylmalonic aciduria, cblA type. Last evaluated: 2018-04-25. Review status: no assertion criteria provided. Collection method: clinical testing. Allele origin: unknown. Not counted in ClinVar's aggregate classification.

GeneReviews
No classification provided. Condition: Methylmalonic aciduria, cblA type. Review status: no classification provided. Collection method: literature only. Allele origin: germline. Affected: yes. Not counted in ClinVar's aggregate classification.

Literature cited by the submitters: PubMed 15523652 (cited by Labcorp Genetics (formerly Invitae), Labcorp); PubMed 15781192 (cited by Labcorp Genetics (formerly Invitae), Labcorp); PubMed 15308131 (cited by 3 submitters); PubMed 33029243 (cited by Women's Health and Genetics/Laboratory Corporation of America, LabCorp); NCBI Bookshelf NBK1231 (cited by GeneReviews).